The following is an entry in ClinVar:

NM_000059.4(BRCA2):c.69T>G (p.Asp23Glu)

Gene: BRCA2 (BRCA2 DNA repair associated; plus strand). Cytogenetic location: 13q13.1.
Variant type: single nucleotide variant.
Coding change: c.69T>G on transcript NM_000059.4 (MANE Select); coding-DNA position 69, T replaced by G.
Protein change: p.Asp23Glu; replaces aspartic acid 23 with glutamic acid.
Molecular consequence: missense variant. On other transcripts: 5 prime UTR variant (1), non-coding transcript variant (1).
Genome position (GRCh38, 1-based): chr13:32,319,078, T>G. VCF-style: chr13-32319078-T-G. GRCh37 (hg19) VCF-style: chr13-32893215-T-G.
Other names: c.69T>G, p.Asp23Glu (NM_001406719.1, NM_001406720.1, NM_001406721.1 and 1 more transcripts); c.-301T>G (NM_001406722.1); short protein forms D23E.
Identifiers: ClinVar variation 4757662 (VCV004757662.1).

ClinVar aggregate classification (germline): Uncertain significance (1 of 4 stars; one submission).

Conditions:
Hereditary cancer-predisposing syndrome. Also called: Tumor predisposition; Hereditary Cancer Syndrome; Neoplastic Syndromes, Hereditary; Hereditary neoplastic syndrome. Identifiers: Orphanet 140162, MedGen C0027672, MeSH D009386, MONDO:0015356.

Submission:

Color Diagnostics, LLC DBA Color Health
Classification: Uncertain significance for Hereditary cancer-predisposing syndrome. Last evaluated: 2025-07-23. Review status: criteria provided, single submitter. Criteria: ACMG Guidelines, 2015. Collection method: clinical testing. Allele origin: germline.
Comment: This missense variant replaces aspartic acid with glutamic acid at codon 23 of the BRCA2 protein. Computational prediction suggests that this variant may not impact protein structure and function. To our knowledge, functional studies have not been reported for this variant. This variant has not been reported in individuals affected with BRCA2-related disorders in the literature. This variant has not been identified in the general population by the Genome Aggregation Database (gnomAD). The available evidence is insufficient to determine the role of this variant in disease conclusively. Therefore, this variant is classified as a Variant of Uncertain Significance.